The following is an entry in ClinVar:

NM_007294.4(BRCA1):c.120C>T (p.Asp40=)

Gene: BRCA1 (BRCA1 DNA repair associated; minus strand). Cytogenetic location: 17q21.31.
Variant type: single nucleotide variant.
Coding change: c.120C>T on transcript NM_007294.4 (MANE Select); coding-DNA position 120, C replaced by T.
Protein change: p.Asp40=; no amino-acid change (aspartic acid 40 retained).
Molecular consequence: synonymous variant. On other transcripts: 5 prime UTR variant (132), intron variant (41).
Genome position (GRCh38, 1-based): chr17:43,115,740, G>A on the plus strand (C>T on the coding strand, the complement: BRCA1 is on the minus strand). VCF-style: chr17-43115740-G-A. GRCh37 (hg19) VCF-style: chr17-41267757-G-A.
Other names: c.120C>T, p.Asp40= (NM_001407666.1, NM_001407667.1, NM_001407668.1 and 192 more transcripts); c.-138C>T (NM_001407694.1, NM_001407696.1, NM_001407724.1 and 13 more transcripts); c.-142C>T (NM_001407695.1, NM_001408465.1); c.-22C>T (NM_001407697.1, NM_001407725.1, NM_001407728.1 and 47 more transcripts); c.-18C>T (NM_001407841.1); c.-69C>T (NM_001407853.1, NM_001407879.1, NM_001407882.1 and 52 more transcripts); c.-185C>T (NM_001407889.1, NM_001407900.1, NM_001408492.1); c.-184C>T (NM_001407960.1, NM_001407962.1, NM_001408510.1 and 1 more transcripts); and 10 more.
Identifiers: ClinVar variation 415586 (VCV000415586.26), dbSNP rs1060504580, ClinGen allele CA16615717.
Genomic context (GRCh38, chr17:43,115,740, plus strand): 5'-AAAAACAAAAGCTAATAATGGAGCCACATAACACATTCAAACTTACTTGCAAAATATGTG[G>A]TCACACTTTGTGGAGACAGGTTCCTTGATCAACTCCAGACTAGCAGGGTAGGGGGGGAGA-3'
Protein context (NP_009225.1, residues 30-50): LIKEPVSTKC[Asp40=]HIFCKFCMLK

ClinVar aggregate classification (germline): Likely benign. Review status: criteria provided, multiple submitters, no conflicts (2 of 4 stars). 6 submissions from 6 submitters: Likely benign (5). 1 of the submissions does not count toward it. Last evaluated 2024-07-11.

Conditions:
Hereditary cancer-predisposing syndrome. Also called: Neoplastic Syndromes, Hereditary; Hereditary neoplastic syndrome; Hereditary Cancer Syndrome; Tumor predisposition. Identifiers: Orphanet 140162, MedGen C0027672, MeSH D009386, MONDO:0015356.
Hereditary breast ovarian cancer syndrome. Also called: Hereditary breast and ovarian cancer syndrome; Breast and ovarian cancer; Hereditary breast and ovarian cancer syndrome (HBOC); Hereditary breast and/or ovarian cancer syndrome; BRCA1- and BRCA2-Associated Hereditary Breast and Ovarian Cancer; Hereditary breast and ovarian cancer. Identifiers: Orphanet 145, MedGen C0677776, MeSH D061325, MONDO:0003582. Disease mechanism: loss of function.

Submissions (7):

Labcorp Genetics (formerly Invitae), Labcorp
Classification: Likely benign for Hereditary breast ovarian cancer syndrome. Last evaluated: 2024-07-11. Review status: criteria provided, single submitter. Criteria: Invitae Variant Classification Sherloc (09022015). Collection method: clinical testing. Allele origin: germline.

Women's Health and Genetics/Laboratory Corporation of America, LabCorp
Classification: Likely benign. Last evaluated: 2024-02-08. Review status: criteria provided, single submitter. Criteria: LabCorp Variant Classification Summary - May 2015. Collection method: clinical testing. Allele origin: germline.

GeneDx
Classification: Likely benign. Last evaluated: 2020-11-09. Review status: criteria provided, single submitter. Criteria: GeneDx Variant Classification Process June 2021. Collection method: clinical testing. Allele origin: germline. Affected: yes.
Comment: This variant is associated with the following publications: (PMID: 30209399)

Color Diagnostics, LLC DBA Color Health
Classification: Likely benign for Hereditary cancer-predisposing syndrome. Last evaluated: 2018-11-05. Review status: criteria provided, single submitter. Criteria: ACMG Guidelines, 2015. Collection method: clinical testing. Allele origin: germline.

Ambry Genetics
Classification: Likely benign for Hereditary cancer-predisposing syndrome. Last evaluated: 2015-10-19. Review status: criteria provided, single submitter. Criteria: Ambry Variant Classification Scheme 2023. Collection method: clinical testing. Allele origin: germline.

Genetic Services Laboratory, University of Chicago
Classification: Likely benign. Last evaluated: 2022-07-27. Review status: no assertion criteria provided. Collection method: clinical testing. Allele origin: germline. Affected: no. Not counted in ClinVar's aggregate classification.

Brotman Baty Institute, University of Washington
No classification provided (evidence only). Condition: Breast-ovarian cancer, familial 1. Review status: no classification provided. Collection method: in vitro. Allele origin: not applicable. Functional consequence: functionally_normal. Not counted in ClinVar's aggregate classification.
ClinVar note: "not provided" was previously submitted as the classification for the variant. However, the classification appeared to be based only on an observation of functional data so it was converted to no classification on 2025-07-30.